The following is an entry in ClinVar:

ClinVar aggregate classification (germline): Uncertain significance (1 of 4 stars; one submission).

Conditions:
SPECC1L-related disorder. Also called: SPECC1L-related condition.

gnomAD v4.1: 15 of 1,613,946 alleles (0.00093%); highest among the groups gnomAD compares: Non-Finnish European, 0.0013%; no homozygotes.

Submission:

PreventionGenetics, part of Exact Sciences
Classification: Uncertain significance for SPECC1L-related condition. Last evaluated: 2024-11-26. Review status: criteria provided, single submitter. Criteria: ACMG Guidelines, 2015. Collection method: clinical testing. Allele origin: germline.
Comment: The SPECC1L c.2984+10A>T variant is predicted to interfere with splicing. To our knowledge, this variant has not been reported in the literature. This variant is reported in 0.00088% of alleles in individuals of European (Non-Finnish) descent in gnomAD. However, the use of computer prediction programs is not equivalent to functional evidence, and therefore the clinical significance of this variant is uncertain.

NM_015330.6(SPECC1L):c.2984+10A>T

Genes: SPECC1L (sperm antigen with calponin homology and coiled-coil domains 1 like; plus strand), SPECC1L-ADORA2A (SPECC1L-ADORA2A readthrough (NMD candidate); plus strand). Cytogenetic location: 22q11.23.
Variant type: single nucleotide variant.
Coding change: c.2984+10A>T on transcript NM_015330.6 (MANE Select); 10 bases into the intron after coding-DNA position 2984, A replaced by T.
Molecular consequence: intron variant.
Genome position (GRCh38, 1-based): chr22:24,365,642, A>T. VCF-style: chr22-24365642-A-T. GRCh37 (hg19) VCF-style: chr22-24761610-A-T.
Other names: c.2984+10A>T (NM_001145468.4, NM_001254732.3); c.182+10A>T (NM_001254733.2).
Identifiers: ClinVar variation 4989543 (VCV004989543.1).